The following is an entry in ClinVar:

NM_001243133.2(NLRP3):c.1153T>C (p.Ser385Pro)

Gene: NLRP3 (NLR family pyrin domain containing 3; plus strand). Cytogenetic location: 1q44.
Variant type: single nucleotide variant.
Coding change: c.1153T>C on transcript NM_001243133.2 (MANE Select); coding-DNA position 1153, T replaced by C.
Protein change: p.Ser385Pro; replaces serine 385 with proline.
Molecular consequence: missense variant.
Genome position (GRCh38, 1-based): chr1:247,424,602, T>C. VCF-style: chr1-247424602-T-C. GRCh37 (hg19) VCF-style: chr1-247587904-T-C.
Other names: c.1153T>C, p.Ser385Pro (NM_001079821.3, NM_001127461.3, NM_001127462.3 and 1 more transcripts); c.1159T>C, p.Ser387Pro (NM_004895.5); short protein forms S387P, S385P.
Identifiers: ClinVar variation 948032 (VCV000948032.8), dbSNP rs199680838, ClinGen allele CA1494989.
Genomic context (GRCh38, chr1:247,424,602, plus strand): 5'-CATGTGGAGATCCTGGGTTTCTCCGAGGCCAAAAGGAAAGAGTACTTCTTCAAGTACTTC[T>C]CTGATGAGGCCCAAGCCAGGGCAGCCTTCAGTCTGATTCAGGAGAACGAGGTCCTCTTCA-3'
Protein context (NP_001230062.1, residues 375-395): KRKEYFFKYF[Ser385Pro]DEAQARAAFS

ClinVar aggregate classification (germline): Uncertain significance. Review status: criteria provided, multiple submitters, no conflicts (2 of 4 stars). 2 submissions from 2 submitters: Uncertain significance (2). Last evaluated 2025-12-27.

Conditions:
Cryopyrin associated periodic syndrome (CAPS). Identifiers: Orphanet 208650, MedGen C2316212, MONDO:0016168.
Hearing loss, autosomal dominant 34, with or without inflammation. Also called: DEAFNESS, AUTOSOMAL DOMINANT 34, WITH OR WITHOUT INFLAMMATION. Identifiers: MedGen C4521680, MONDO:0033261, OMIM 617772.

Allele frequency attached by ClinVar (database versions not stated): gnomAD exomes below 0.00001; ExAC 0.00001.
gnomAD v4.1: 3 of 1,614,250 alleles (0.00019%); highest among the groups gnomAD compares: Admixed American, 0.0017%; no homozygotes.

Submissions (2):

Labcorp Genetics (formerly Invitae), Labcorp
Classification: Uncertain significance for Cryopyrin associated periodic syndrome. Last evaluated: 2025-12-27. Review status: criteria provided, single submitter. Criteria: Invitae Variant Classification Sherloc (09022015). Collection method: clinical testing. Allele origin: germline.
Comment: This sequence change replaces serine, which is neutral and polar, with proline, which is neutral and non-polar, at codon 387 of the NLRP3 protein (p.Ser387Pro). This variant is present in population databases (rs199680838, gnomAD 0.0009%). This variant has not been reported in the literature in individuals affected with NLRP3-related conditions. ClinVar contains an entry for this variant (Variation ID: 948032). Invitae Evidence Modeling of protein sequence and biophysical properties (such as structural, functional, and spatial information, amino acid conservation, physicochemical variation, residue mobility, and thermodynamic stability) has been performed for this missense variant. However, the output from this modeling did not meet the statistical confidence thresholds required to predict the impact of this variant on NLRP3 protein function. In summary, the available evidence is currently insufficient to determine the role of this variant in disease. Therefore, it has been classified as a Variant of Uncertain Significance.

Neuberg Centre For Genomic Medicine, NCGM
Classification: Uncertain significance for Hearing loss, autosomal dominant 34, with or without inflammation. Review status: criteria provided, single submitter. Criteria: ACMG Guidelines, 2015. Collection method: clinical testing. Allele origin: germline. Inheritance: Autosomal dominant inheritance. Affected: yes.
Comment: The missense c.1153T>Cp.Ser385Pro variant in NLRP3 gene has not been reported previously as a pathogenic variant nor as a benign variant, to our knowledge. This variant is reported with the allele frequency of 0.0004% in the gnomAD Exomes and novel in 1000 Genomes. This variant has been reported to the ClinVar database as Uncertain Significance. However, no details are available for independent assessment. The amino acid Ser at position 385 is changed to a Pro changing protein sequence and it might alter its composition and physico-chemical properties. The amino acid change p.Ser385Pro in NLRP3 is predicted as conserved by GERP++ and PhyloP across 100 vertebrates. For these reasons, this variant has been classified as Uncertain Significance.